The following is an entry in ClinVar:

ClinVar aggregate classification (germline): Uncertain significance. Review status: criteria provided, multiple submitters, no conflicts (2 of 4 stars). 3 submissions from 3 submitters: Uncertain significance (2). 1 of the submissions does not count toward it. Last evaluated 2024-10-08.

Conditions:
DOK7-related disorder. Also called: DOK7-related condition.
Fetal akinesia deformation sequence 1 (FADS1). Also called: Fetal akinesia sequence; Pena-Shokeir syndrome type I. Identifiers: Orphanet 994, MedGen C1276035, MONDO:0100101, OMIM 208150, HP:0001989.
Congenital myasthenic syndrome 10. Also called: Myasthenia, limb-girdle, familial. Identifiers: Orphanet 590, MedGen C1850792, MONDO:0009690, OMIM 254300.
Inborn genetic diseases. Identifiers: MedGen C0950123, MeSH D030342.

Allele frequency attached by ClinVar (database versions not stated): TOPMed 0.00002.
gnomAD v4.1: 232 of 1,604,822 alleles (0.014%); highest among the groups gnomAD compares: Non-Finnish European, 0.019%; no homozygotes.

Submissions (3):

Ambry Genetics
Classification: Uncertain significance for Inborn genetic diseases. Last evaluated: 2024-10-08. Review status: criteria provided, single submitter. Criteria: Ambry Variant Classification Scheme 2023. Collection method: clinical testing. Allele origin: germline.

Labcorp Genetics (formerly Invitae), Labcorp
Classification: Uncertain significance for Congenital myasthenic syndrome 10; Fetal akinesia deformation sequence 1. Last evaluated: 2022-10-13. Review status: criteria provided, single submitter. Criteria: Invitae Variant Classification Sherloc (09022015). Collection method: clinical testing. Allele origin: germline.
Comment: This sequence change replaces proline, which is neutral and non-polar, with threonine, which is neutral and polar, at codon 390 of the DOK7 protein (p.Pro390Thr). This variant is present in population databases (no rsID available, gnomAD 0.009%). This variant has not been reported in the literature in individuals affected with DOK7-related conditions. ClinVar contains an entry for this variant (Variation ID: 640966). Advanced modeling of protein sequence and biophysical properties (such as structural, functional, and spatial information, amino acid conservation, physicochemical variation, residue mobility, and thermodynamic stability) performed at Invitae indicates that this missense variant is not expected to disrupt DOK7 protein function. In summary, the available evidence is currently insufficient to determine the role of this variant in disease. Therefore, it has been classified as a Variant of Uncertain Significance.

PreventionGenetics, part of Exact Sciences
Classification: Uncertain significance for DOK7-related condition. Last evaluated: 2023-12-05. Review status: no assertion criteria provided. Collection method: clinical testing. Allele origin: germline. Not counted in ClinVar's aggregate classification.
Comment: The DOK7 c.1168C>A variant is predicted to result in the amino acid substitution p.Pro390Thr. To our knowledge, this variant has not been reported in the literature. This variant is reported in 0.0090% of alleles in individuals of African descent in gnomAD. At this time, the clinical significance of this variant is uncertain due to the absence of conclusive functional and genetic evidence.

NM_173660.5(DOK7):c.1168C>A (p.Pro390Thr)

Gene: DOK7 (docking protein 7; plus strand). Cytogenetic location: 4p16.3.
Variant type: single nucleotide variant.
Coding change: c.1168C>A on transcript NM_173660.5 (MANE Select); coding-DNA position 1168, C replaced by A.
Protein change: p.Pro390Thr; replaces proline 390 with threonine.
Molecular consequence: missense variant. On other transcripts: 3 prime UTR variant (1).
Genome position (GRCh38, 1-based): chr4:3,493,154, C>A. VCF-style: chr4-3493154-C-A. GRCh37 (hg19) VCF-style: chr4-3494881-C-A.
Other names: c.*389C>A (NM_001164673.2); c.238C>A, p.Pro80Thr (NM_001256896.2); c.1168C>A, p.Pro390Thr (NM_001301071.2); c.736C>A, p.Pro246Thr (NM_001363811.2); short protein forms P390T, P246T, P80T.
Identifiers: ClinVar variation 640966 (VCV000640966.11), dbSNP rs149525610, ClinGen allele CA91557004.